The following is an entry in ClinVar:

ClinVar aggregate classification (germline): Uncertain significance (0 of 4 stars; one submission).

Conditions:
PLXNA1-related disorder. Also called: PLXNA1-related condition.

gnomAD v4.1: 28 of 1,613,204 alleles (0.0017%); highest among the groups gnomAD compares: Admixed American, 0.0033%; no homozygotes.

Submission:

PreventionGenetics, part of Exact Sciences
Classification: Uncertain significance for PLXNA1-related condition. Last evaluated: 2024-09-06. Review status: no assertion criteria provided. Collection method: clinical testing. Allele origin: germline.
Comment: The PLXNA1 c.3566C>T variant is predicted to result in the amino acid substitution p.Thr1189Met. This variant was reported in an individual with Parkinson’s disease (Supplementary Table 1 and 2, Li et al. 2023. PubMed ID: 37397528). This variant is reported in 0.0055% of alleles in individuals of East Asian descent in gnomAD. At this time, the clinical significance of this variant is uncertain due to the absence of conclusive functional and genetic evidence.

NM_032242.4(PLXNA1):c.3566C>T (p.Thr1189Met)

Gene: PLXNA1 (plexin A1; plus strand). Cytogenetic location: 3q21.3.
Variant type: single nucleotide variant.
Coding change: c.3566C>T on transcript NM_032242.4 (MANE Select); coding-DNA position 3566, C replaced by T.
Protein change: p.Thr1189Met; replaces threonine 1189 with methionine.
Molecular consequence: missense variant.
Genome position (GRCh38, 1-based): chr3:127,017,798, C>T. VCF-style: chr3-127017798-C-T. GRCh37 (hg19) VCF-style: chr3-126736641-C-T.
Other names: short protein forms T1189M.
Identifiers: ClinVar variation 3352880 (VCV003352880.1).